The following is an entry in ClinVar:

ClinVar aggregate classification (germline): Uncertain significance (0 of 4 stars; one submission).

Conditions:
TTN-related disorder. Also called: TTN-related disorders; TTN-related condition; TTN-related disease.

Submission:

PreventionGenetics, part of Exact Sciences
Classification: Uncertain significance for TTN-related condition. Last evaluated: 2024-09-23. Review status: no assertion criteria provided. Collection method: clinical testing. Allele origin: germline.
Comment: The TTN c.16393_16394delinsTC variant is predicted to result in an in-frame deletion and insertion. To our knowledge, this variant has not been reported in the literature or in a large population database, indicating this variant is rare. At this time, the clinical significance of this variant is uncertain due to the absence of conclusive functional and genetic evidence.

NM_001267550.2(TTN):c.11312-4086_11312-4085delinsTC

Gene: TTN (titin; minus strand). Cytogenetic location: 2q31.2.
Variant type: Indel.
Coding change: c.11312-4086_11312-4085delinsTC on transcript NM_001267550.2 (MANE Select); 4086 bases into the intron before coding-DNA position 11312 through 4085 bases into the intron before coding-DNA position 11312, CG replaced by TC.
Molecular consequence: intron variant. On other transcripts: missense variant (2).
Genome position (GRCh38, 1-based): chr2:178,746,006-178,746,007, CG replaced by GA on the plus strand (CG replaced by TC on the coding strand, the reverse complement: TTN is on the minus strand). VCF-style: chr2-178746006-CG-GA. GRCh37 (hg19) VCF-style: chr2-179610733-CG-GA.
Other names: c.16393_16394delCGinsTC, p.Arg5465Ser (NM_133379.4); c.16393_16394delinsTC, p.Arg5465Ser (NM_133379.5); c.10223-4086_10223-4085delinsTC (NM_003319.4); c.10799-4086_10799-4085delinsTC (NM_133437.4); c.10598-4086_10598-4085delinsTC (NM_133432.3); c.10360+7117_10360+7118delinsTC (NM_133378.4); c.10361-4086_10361-4085delinsTC (NM_001256850.1); short protein forms R5465S.
Identifiers: ClinVar variation 3344785 (VCV003344785.1).